The following is an entry in ClinVar:

NM_017636.4(TRPM4):c.3131+1G>T

Gene: TRPM4 (transient receptor potential cation channel subfamily M member 4; plus strand). Cytogenetic location: 19q13.33.
Variant type: single nucleotide variant.
Coding change: c.3131+1G>T on transcript NM_017636.4 (MANE Select); the canonical splice donor site of the intron after coding-DNA position 3131, G replaced by T.
Molecular consequence: splice donor variant.
Genome position (GRCh38, 1-based): chr19:49,202,142, G>T. VCF-style: chr19-49202142-G-T. GRCh37 (hg19) VCF-style: chr19-49705399-G-T.
Other names: c.2696+1G>T (NM_001195227.2); c.1523+1G>T (NM_001321282.2); c.2786+1G>T (NM_001321281.2); c.2609+1G>T (NM_001321283.2); c.2069+1G>T (NM_001321285.2).
Identifiers: ClinVar variation 2625615 (VCV002625615.2), dbSNP rs1164391895, ClinGen allele CA406813028.
Genomic context (GRCh38, chr19:49,202,142, plus strand): 5'-CGTCATCTTCCTGCTCGTGGCCAACATCCTGCTGGTCAACTTGCTCATTGCCATGTTCAG[G>T]TGAGGCCTGACTGCTCTCTGATCTGACCCCACCCAGCATGACCCGTGGCCCTCTCATGAC-3'

ClinVar aggregate classification (germline): Uncertain significance (1 of 4 stars; one submission).

Conditions:
Cardiovascular phenotype. Identifiers: MedGen CN230736.

gnomAD v4.1: 1 of 1,613,940 alleles (0.000062%); highest among the groups gnomAD compares: Non-Finnish European, 0.000085%; no homozygotes.

Submission:

Ambry Genetics
Classification: Uncertain significance for Cardiovascular phenotype. Last evaluated: 2023-07-06. Review status: criteria provided, single submitter. Criteria: Ambry Variant Classification Scheme 2023. Collection method: clinical testing. Allele origin: germline.
Comment: The c.3131+1G>T intronic variant results from a G to T substitution one nucleotide after coding exon 20 of the TRPM4 gene. This nucleotide position is highly conserved in available vertebrate species. In silico splice site analysis predicts that this alteration will weaken the native splice donor site and may result in the creation or strengthening of a novel splice donor site. Alterations that disrupt the canonical splice site are expected to cause aberrant splicing, resulting in an abnormal protein or a transcript that is subject to nonsense-mediated mRNA decay. However, loss of function of TRPM4 has not been established as a mechanism of disease. Since supporting evidence is limited at this time, the clinical significance of this alteration remains unclear.